The following is an entry in ClinVar:

ClinVar aggregate classification (germline): Likely benign (1 of 4 stars; one submission).

gnomAD v4.1: 2 of 1,614,212 alleles (0.00012%); highest among the groups gnomAD compares: South Asian, 0.0022%; no homozygotes.

Submission:

CeGaT Center for Human Genetics Tuebingen
Classification: Likely benign. Last evaluated: 2026-07-01. Review status: criteria provided, single submitter. Criteria: CeGaT Center For Human Genetics Tuebingen Variant Classification Criteria Version 2. Collection method: clinical testing. Allele origin: germline. Affected: yes. Observed: 1 variant allele.
Comment: SPEN: BP4, BP7

NM_015001.3(SPEN):c.5574T>G (p.Pro1858=)

Gene: SPEN (spen family transcriptional repressor; plus strand). Cytogenetic location: 1p36.13.
Variant type: single nucleotide variant.
Coding change: c.5574T>G on transcript NM_015001.3 (MANE Select); coding-DNA position 5574, T replaced by G.
Protein change: p.Pro1858=; no amino-acid change (proline 1858 retained).
Molecular consequence: synonymous variant.
Genome position (GRCh38, 1-based): chr1:15,931,814, T>G. VCF-style: chr1-15931814-T-G. GRCh37 (hg19) VCF-style: chr1-16258309-T-G.
Identifiers: ClinVar variation 5040154 (VCV005040154.1).